The following is an entry in ClinVar:

NM_000297.4(PKD2):c.1666A>G (p.Ile556Val)

Gene: PKD2 (polycystin 2, transient receptor potential cation channel; plus strand). Cytogenetic location: 4q22.1.
Variant type: single nucleotide variant.
Coding change: c.1666A>G on transcript NM_000297.4 (MANE Select); coding-DNA position 1666, A replaced by G.
Protein change: p.Ile556Val; replaces isoleucine 556 with valine.
Molecular consequence: missense variant. On other transcripts: non-coding transcript variant (1).
Genome position (GRCh38, 1-based): chr4:88,052,108, A>G. VCF-style: chr4-88052108-A-G. GRCh37 (hg19) VCF-style: chr4-88973260-A-G.
Other names: short protein forms I556V.
Identifiers: ClinVar variation 3780406 (VCV003780406.2).

ClinVar aggregate classification (germline): Uncertain significance. Review status: criteria provided, multiple submitters, no conflicts (2 of 4 stars). 2 submissions from 2 submitters: Uncertain significance (2). Last evaluated 2025-03-14.

Conditions:
Polycystic kidney disease 2 (PKD2). Also called: POLYCYSTIC KIDNEY DISEASE 2 WITH OR WITHOUT POLYCYSTIC LIVER DISEASE; POLYCYSTIC KIDNEY DISEASE, ADULT, TYPE II; Polycystic Kidney Disease 2, Autosomal Dominant. Identifiers: MedGen C2751306, MONDO:0013131, OMIM 613095.

Submissions (2):

Women's Health and Genetics/Laboratory Corporation of America, LabCorp
Classification: Uncertain significance. Last evaluated: 2025-03-14. Review status: criteria provided, single submitter. Criteria: LabCorp Variant Classification Summary - May 2015. Collection method: clinical testing. Allele origin: germline.
Comment: Variant summary: PKD2 c.1666A>G (p.Ile556Val) results in a conservative amino acid change in the encoded protein sequence. Four of five in-silico tools predict a benign effect of the variant on protein function. The variant was absent in 251204 control chromosomes. The available data on variant occurrences in the general population are insufficient to allow any conclusion about variant significance. To our knowledge, no occurrence of c.1666A>G in individuals affected with Polycystic Kidney Disease 2 and no experimental evidence demonstrating its impact on protein function have been reported. No submitters have cited clinical-significance assessments for this variant to ClinVar. Based on the evidence outlined above, the variant was classified as uncertain significance.

Department of Pathology and Laboratory Medicine, Sinai Health System
Classification: Uncertain significance for Polycystic kidney disease 2. Last evaluated: 2024-11-19. Review status: criteria provided, single submitter. Criteria: ACMG Guidelines, 2015. Collection method: clinical testing. Allele origin: germline. Affected: yes.